The following is an entry in ClinVar:

NM_052963.3(TOP1MT):c.844del (p.Thr282fs)

Gene: TOP1MT (DNA topoisomerase I mitochondrial; minus strand). Cytogenetic location: 8q24.3.
Variant type: Deletion.
Coding change: c.844del on transcript NM_052963.3 (MANE Select); coding-DNA position 844, one base deleted (A; older notation c.844delA).
Protein change: p.Thr282fs; shifts the reading frame from threonine 282.
Molecular consequence: frameshift variant.
Genome position (GRCh38, 1-based): chr8:143,324,115, T deleted on the plus strand (A on the coding strand, the reverse complement: TOP1MT is on the minus strand); the first of 3 consecutive T bases (chr8:143,324,115-143,324,117); deleting any one gives the same sequence. VCF-style (leftmost placement, unchanged base first): chr8-143324114-GT-G. GRCh37 (hg19) VCF-style: chr8-144406284-GT-G.
Other names: c.550del, p.Thr184fs (NM_001258446.1, NM_001258447.1); short protein forms T184fs, T282fs.
Identifiers: ClinVar variation 3625005 (VCV003625005.2).

ClinVar aggregate classification (germline): Uncertain significance (1 of 4 stars; one submission).

Submission:

Labcorp Genetics (formerly Invitae), Labcorp
Classification: Uncertain significance. Last evaluated: 2024-12-23. Review status: criteria provided, single submitter. Criteria: Invitae Variant Classification Sherloc (09022015). Collection method: clinical testing. Allele origin: germline.
Comment: This sequence change creates a premature translational stop signal (p.Thr282Glnfs*25) in the TOP1MT gene. It is expected to result in an absent or disrupted protein product. However, the current clinical and genetic evidence is not sufficient to establish whether loss-of-function variants in TOP1MT cause disease. This variant is not present in population databases (gnomAD no frequency). This variant has not been reported in the literature in individuals affected with TOP1MT-related conditions. In summary, the available evidence is currently insufficient to determine the role of this variant in disease. Therefore, it has been classified as a Variant of Uncertain Significance.